The following is an entry in ClinVar:

ClinVar aggregate classification (germline): Uncertain significance (1 of 4 stars; one submission).

Allele frequency attached by ClinVar (database versions not stated): gnomAD exomes below 0.00001.
gnomAD v4.1: 1 of 1,613,784 alleles (0.000062%); highest among the groups gnomAD compares: Non-Finnish European, 0.000085%; no homozygotes.

Submission:

Labcorp Genetics (formerly Invitae), Labcorp
Classification: Uncertain significance. Last evaluated: 2021-09-17. Review status: criteria provided, single submitter. Criteria: Invitae Variant Classification Sherloc (09022015). Collection method: clinical testing. Allele origin: germline.
Comment: This sequence change replaces alanine with threonine at codon 2081 of the USH2A protein (p.Ala2081Thr). The alanine residue is highly conserved and there is a small physicochemical difference between alanine and threonine. This variant is not present in population databases (ExAC no frequency). This variant has not been reported in the literature in individuals with USH2A-related conditions. Algorithms developed to predict the effect of missense changes on protein structure and function are either unavailable or do not agree on the potential impact of this missense change (SIFT: "Deleterious"; PolyPhen-2: "Benign"; Align-GVGD: "Class C0"). In summary, the available evidence is currently insufficient to determine the role of this variant in disease. Therefore, it has been classified as a Variant of Uncertain Significance.

NM_206933.4(USH2A):c.6241G>A (p.Ala2081Thr)

Gene: USH2A (usherin; minus strand). Cytogenetic location: 1q41.
Variant type: single nucleotide variant.
Coding change: c.6241G>A on transcript NM_206933.4 (MANE Select); coding-DNA position 6241, G replaced by A.
Protein change: p.Ala2081Thr; replaces alanine 2081 with threonine.
Molecular consequence: missense variant.
Genome position (GRCh38, 1-based): chr1:216,046,515, C>T on the plus strand (G>A on the coding strand, the complement: USH2A is on the minus strand). VCF-style: chr1-216046515-C-T. GRCh37 (hg19) VCF-style: chr1-216219857-C-T.
Other names: short protein forms A2081T.
Identifiers: ClinVar variation 1365817 (VCV001365817.5), dbSNP rs1558229482, ClinGen allele CA344858923.